The following is an entry in ClinVar:

ClinVar aggregate classification (germline): Uncertain significance. Review status: criteria provided, multiple submitters, no conflicts (2 of 4 stars). 2 submissions from 2 submitters: Uncertain significance (2). Last evaluated 2025-03-14.

Conditions:
Inborn genetic diseases. Identifiers: MedGen C0950123, MeSH D030342.
Severe combined immunodeficiency, autosomal recessive, T cell-negative, B cell-negative, NK cell-positive. Also called: SCID, T CELL-NEGATIVE, B CELL-NEGATIVE, NK CELL-POSITIVE; Severe combined immunodeficiency due to complete RAG1/2 deficiency; SCID, AR, T-cell negative, B-cell negative, NK cell-positive. Identifiers: Orphanet 331206, MedGen C1832322, MONDO:0011086, OMIM 601457.
Combined immunodeficiency with skin granulomas. Identifiers: Orphanet 157949, MedGen C2673536, MONDO:0009306, OMIM 233650.

Allele frequency attached by ClinVar (database versions not stated): gnomAD exomes below 0.00001; ExAC 0.00001; gnomAD 0.00001; TOPMed 0.00001.
gnomAD v4.1: 7 of 1,614,036 alleles (0.00043%); highest among the groups gnomAD compares: East Asian, 0.0022%; no homozygotes.

Submissions (2):

Ambry Genetics
Classification: Uncertain significance for Inborn genetic diseases. Last evaluated: 2025-03-14. Review status: criteria provided, single submitter. Criteria: Ambry Variant Classification Scheme 2023. Collection method: clinical testing. Allele origin: germline.

Labcorp Genetics (formerly Invitae), Labcorp
Classification: Uncertain significance for Combined immunodeficiency with skin granulomas; Severe combined immunodeficiency, autosomal recessive, T cell-negative, B cell-negative, NK cell-positive. Last evaluated: 2022-05-29. Review status: criteria provided, single submitter. Criteria: Invitae Variant Classification Sherloc (09022015). Collection method: clinical testing. Allele origin: germline.
Comment: This sequence change replaces tyrosine, which is neutral and polar, with cysteine, which is neutral and slightly polar, at codon 327 of the RAG1 protein (p.Tyr327Cys). This variant is not present in population databases (gnomAD no frequency). This variant has not been reported in the literature in individuals affected with RAG1-related conditions. Algorithms developed to predict the effect of missense changes on protein structure and function (SIFT, PolyPhen-2, Align-GVGD) all suggest that this variant is likely to be tolerated. In summary, the available evidence is currently insufficient to determine the role of this variant in disease. Therefore, it has been classified as a Variant of Uncertain Significance.

NM_000448.3(RAG1):c.980A>G (p.Tyr327Cys)

Gene: RAG1 (recombination activating 1; plus strand). Cytogenetic location: 11p12.
Variant type: single nucleotide variant.
Coding change: c.980A>G on transcript NM_000448.3 (MANE Select); coding-DNA position 980, A replaced by G.
Protein change: p.Tyr327Cys; replaces tyrosine 327 with cysteine.
Molecular consequence: missense variant.
Genome position (GRCh38, 1-based): chr11:36,574,284, A>G. VCF-style: chr11-36574284-A-G. GRCh37 (hg19) VCF-style: chr11-36595834-A-G.
Other names: c.980A>G, p.Tyr327Cys (NM_001377277.1, NM_001377278.1, NM_001377279.1 and 1 more transcripts); short protein forms Y327C.
Identifiers: ClinVar variation 2000541 (VCV002000541.2), dbSNP rs770646337, ClinGen allele CA5950079.
Genomic context (GRCh38, chr11:36,574,284, plus strand): 5'-ACTGTAAGCATGTCTTTTGCCGGGTCTGCATTCTCAGATGCCTCAAAGTCATGGGCAGCT[A>G]TTGTCCCTCTTGCCGATATCCATGCTTCCCTACTGACCTGGAGAGTCCAGTGAAGTCCTT-3'
Protein context (NP_000439.2, residues 317-337): ILRCLKVMGS[Tyr327Cys]CPSCRYPCFP